The following is an entry in ClinVar:

NM_022168.4(IFIH1):c.768A>G (p.Ser256=)

Gene: IFIH1 (interferon induced with helicase C domain 1; minus strand). Cytogenetic location: 2q24.2.
Variant type: single nucleotide variant.
Coding change: c.768A>G on transcript NM_022168.4 (MANE Select); coding-DNA position 768, A replaced by G.
Protein change: p.Ser256=; no amino-acid change (serine 256 retained).
Molecular consequence: synonymous variant.
Genome position (GRCh38, 1-based): chr2:162,306,710, T>C on the plus strand (A>G on the coding strand, the complement: IFIH1 is on the minus strand). VCF-style: chr2-162306710-T-C. GRCh37 (hg19) VCF-style: chr2-163163220-T-C.
Identifiers: ClinVar variation 2421115 (VCV002421115.7), dbSNP rs763260312, ClinGen allele CA1934723.

ClinVar aggregate classification (germline): Uncertain significance (1 of 4 stars; one submission).

Conditions:
Aicardi-Goutieres syndrome 7 (AGS7). Identifiers: Orphanet 51, MedGen C3888244, MONDO:0014367, OMIM 615846.
Singleton-Merten syndrome 1 (SGMRT1). Also called: Widened medullary cavities of bone, aortic calcification, abnormal dentition, and muscular weakness; Syndrome of widened medullary cavities of the metacarpals and phalanges, aortic calcification and abnormal dentition. Identifiers: Orphanet 85191, MedGen C4225427, MONDO:0024535, OMIM 182250.

Allele frequency attached by ClinVar (database versions not stated): ExAC 0.00001; gnomAD exomes 0.00001.
gnomAD v4.1: 12 of 1,613,450 alleles (0.00074%); highest among the groups gnomAD compares: Non-Finnish European, 0.001%; no homozygotes.

Submission:

Labcorp Genetics (formerly Invitae), Labcorp
Classification: Uncertain significance for Aicardi-Goutieres syndrome 7; Singleton-Merten syndrome 1. Last evaluated: 2022-10-13. Review status: criteria provided, single submitter. Criteria: Invitae Variant Classification Sherloc (09022015). Collection method: clinical testing. Allele origin: germline.
Comment: In summary, the available evidence is currently insufficient to determine the role of this variant in disease. Therefore, it has been classified as a Variant of Uncertain Significance. Algorithms developed to predict the effect of sequence changes on RNA splicing suggest that this variant may disrupt the consensus splice site. This variant has not been reported in the literature in individuals affected with IFIH1-related conditions. This variant is present in population databases (rs763260312, gnomAD 0.0009%). This sequence change affects codon 256 of the IFIH1 mRNA. It is a 'silent' change, meaning that it does not change the encoded amino acid sequence of the IFIH1 protein. It affects a nucleotide within the consensus splice site.